The following is an entry in ClinVar:

GRCh38/hg38 17q12(chr17:36357258-37889296)x3

Genes: ACACA (acetyl-CoA carboxylase alpha; minus strand), AATF (apoptosis antagonizing transcription factor; plus strand), C17orf78 (chromosome 17 open reading frame 78; plus strand), DDX52 (DExD-box helicase 52; minus strand), DHRS11 (dehydrogenase/reductase 11; plus strand) and 32 more. Cytogenetic location: 17q12.
Variant type: copy number gain.
Change: copy number 3 (three copies instead of two) of chr17:36,357,258-37,889,296 (1.53 Mb, GRCh38 coordinates, 1-based), cytogenetic band 17q12.
Identifiers: ClinVar variation 160879 (VCV000160879.1).

ClinVar aggregate classification (germline): Pathogenic. Review status: criteria provided, multiple submitters, no conflicts (2 of 4 stars). 2 submissions from 2 submitters: Pathogenic (2). Last evaluated 2011-08-12.

Submissions (2):

ISCA site 14
Classification: Pathogenic. Last evaluated: 2011-08-12. Review status: criteria provided, single submitter. Criteria: Kaminsky et al. (Genet Med. 2011). Collection method: clinical testing. Allele origin: de novo, paternal. Affected: yes. Observed: 2 variant alleles.
Comment: Copy number variation identified through the course of routine clinical cytogenomic testing in postnatal populations. Clinical assertions have been curated as described in Kaminsky et al. 2011.

ISCA site 4
Classification: Pathogenic. Last evaluated: 2011-08-12. Review status: criteria provided, single submitter. Criteria: Kaminsky et al. (Genet Med. 2011). Collection method: clinical testing. Allele origin: unknown. Affected: yes. Observed: 1 variant allele.
Comment: the same text as in the submission from ISCA site 14 above.